The following is an entry in ClinVar:

NM_006393.3(NEBL):c.362A>G (p.Gln121Arg)

Gene: NEBL (nebulette; minus strand). Cytogenetic location: 10p12.31.
Variant type: single nucleotide variant.
Coding change: c.362A>G on transcript NM_006393.3 (MANE Select); coding-DNA position 362, A replaced by G.
Protein change: p.Gln121Arg; replaces glutamine 121 with arginine.
Molecular consequence: missense variant. On other transcripts: intron variant (9).
Genome position (GRCh38, 1-based): chr10:20,888,104, T>C on the plus strand (A>G on the coding strand, the complement: NEBL is on the minus strand). VCF-style: chr10-20888104-T-C. GRCh37 (hg19) VCF-style: chr10-21177033-T-C.
Other names: c.249+73568A>G (NM_001377326.1, NM_001377327.1, NM_001377328.1); c.357+73568A>G (NM_213569.2, NM_001173484.2, NM_001377322.1); c.300+73568A>G (NM_001377324.1); c.291+73568A>G (NM_001377325.1); c.309+73568A>G (NM_001377323.1); short protein forms Q121R.
Identifiers: ClinVar variation 3225576 (VCV003225576.1), dbSNP rs1846686479, ClinGen allele CA376095917.

ClinVar aggregate classification (germline): Uncertain significance (1 of 4 stars; one submission).

Allele frequency attached by ClinVar (database versions not stated): TOPMed below 0.00001.

Submission:

Ambry Genetics
Classification: Uncertain significance. Last evaluated: 2023-11-08. Review status: criteria provided, single submitter. Criteria: Ambry Variant Classification Scheme 2023. Collection method: clinical testing. Allele origin: germline.
Comment: The p.Q121R variant (also known as c.362A>G), located in coding exon 4 of the NEBL gene, results from an A to G substitution at nucleotide position 362. The glutamine at codon 121 is replaced by arginine, an amino acid with highly similar properties. This amino acid position is conserved. In addition, the in silico prediction for this alteration is inconclusive. Since supporting evidence is limited at this time, the clinical significance of this alteration remains unclear.